The following is an entry in ClinVar:

ClinVar aggregate classification (germline): Uncertain significance (1 of 4 stars; one submission).

gnomAD v4.1: 4 of 1,614,042 alleles (0.00025%); highest among the groups gnomAD compares: Non-Finnish European, 0.00034%; no homozygotes.

Submission:

Women's Health and Genetics/Laboratory Corporation of America, LabCorp
Classification: Uncertain significance. Last evaluated: 2024-12-02. Review status: criteria provided, single submitter. Criteria: LabCorp Variant Classification Summary - May 2015. Collection method: clinical testing. Allele origin: germline.
Comment: Variant summary: SYNE1 c.20911G>A (p.Glu6971Lys) results in a conservative amino acid change in the encoded protein sequence. Two of four in-silico tools predict a benign effect of the variant on protein function. The variant was absent in 251296 control chromosomes. The available data on variant occurrences in the general population are insufficient to allow any conclusion about variant significance. To our knowledge, no occurrence of c.20911G>A in individuals affected with Autosomal recessive ataxia, Beauce type and no experimental evidence demonstrating its impact on protein function have been reported. No submitters have cited clinical-significance assessments for this variant to ClinVar. Based on the evidence outlined above, the variant was classified as uncertain significance.

NM_182961.4(SYNE1):c.21124G>A (p.Glu7042Lys)

Gene: SYNE1 (spectrin repeat containing nuclear envelope protein 1; minus strand). Cytogenetic location: 6q25.2.
Variant type: single nucleotide variant.
Coding change: c.21124G>A on transcript NM_182961.4 (MANE Select); coding-DNA position 21124, G replaced by A.
Protein change: p.Glu7042Lys; replaces glutamic acid 7042 with lysine.
Molecular consequence: missense variant.
Genome position (GRCh38, 1-based): chr6:152,230,618, C>T on the plus strand (G>A on the coding strand, the complement: SYNE1 is on the minus strand). VCF-style: chr6-152230618-C-T. GRCh37 (hg19) VCF-style: chr6-152551753-C-T.
Other names: c.20911G>A, p.Glu6971Lys (NM_033071.5); short protein forms E6971K, E7042K.
Identifiers: ClinVar variation 3768357 (VCV003768357.1).